The following is an entry in ClinVar:

NM_001111125.3(IQSEC2):c.1201_1202delinsAG (p.Gln401Arg)

Gene: IQSEC2 (IQ motif and Sec7 domain ArfGEF 2; minus strand). Cytogenetic location: Xp11.22.
Variant type: Indel.
Coding change: c.1201_1202delinsAG on transcript NM_001111125.3 (MANE Select); coding-DNA positions 1201 to 1202, CA replaced by AG.
Protein change: p.Gln401Arg; replaces glutamine 401 with arginine.
Molecular consequence: missense variant.
Genome position (GRCh38, 1-based): chrX:53,254,729-53,254,730, TG replaced by CT on the plus strand (CA replaced by AG on the coding strand, the reverse complement: IQSEC2 is on the minus strand). VCF-style: chrX-53254729-TG-CT. GRCh37 (hg19) VCF-style: chrX-53283911-TG-CT.
Other names: c.1201_1202delinsAG, p.Gln401Arg (NM_001410736.1); c.586_587delinsAG, p.Gln196Arg (NM_015075.2); short protein forms Q401R, Q196R.
Identifiers: ClinVar variation 3728913 (VCV003728913.2).

ClinVar aggregate classification (germline): Uncertain significance (1 of 4 stars; one submission).

Conditions:
Intellectual developmental disorder, X-linked 1. Also called: Atkin Flaitz Patil Smith syndrome; MENTAL RETARDATION, X-LINKED 18; MENTAL RETARDATION, X-LINKED 78; Intellectual disability, X-linked 1. Identifiers: Orphanet 777, MedGen C2931498, MONDO:0010656, OMIM 309530.

Submission:

Labcorp Genetics (formerly Invitae), Labcorp
Classification: Uncertain significance for Intellectual developmental disorder, X-linked 1. Last evaluated: 2025-01-13. Review status: criteria provided, single submitter. Criteria: Invitae Variant Classification Sherloc (09022015). Collection method: clinical testing. Allele origin: germline.
Comment: This sequence change replaces glutamine, which is neutral and polar, with arginine, which is basic and polar, at codon 401 of the IQSEC2 protein (p.Gln401Arg). Information on the frequency of this variant in the gnomAD database is not available, as this variant may be reported differently in the database. This variant has not been reported in the literature in individuals affected with IQSEC2-related conditions. An algorithm developed to predict the effect of missense changes on protein structure and function (PolyPhen-2) suggests that this variant is likely to be tolerated. In summary, the available evidence is currently insufficient to determine the role of this variant in disease. Therefore, it has been classified as a Variant of Uncertain Significance.